The following is an entry in ClinVar:

ClinVar aggregate classification (germline): Uncertain significance (1 of 4 stars; one submission).

Conditions:
Amelocerebrohypohidrotic syndrome (KTZS). Also called: Kohlschutter's syndrome; EPILEPSY AND YELLOW TEETH; EPILEPSY, DEMENTIA, AND AMELOGENESIS IMPERFECTA; KOHLSCHUTTER SYNDROME. Identifiers: Orphanet 1946, MedGen C0406740, MONDO:0009185, OMIM 226750.

Allele frequency attached by ClinVar (database versions not stated): gnomAD 0.00001; TOPMed 0.00001.

Submission:

Labcorp Genetics (formerly Invitae), Labcorp
Classification: Uncertain significance for Amelocerebrohypohidrotic syndrome. Last evaluated: 2022-07-12. Review status: criteria provided, single submitter. Criteria: Invitae Variant Classification Sherloc (09022015). Collection method: clinical testing. Allele origin: germline.
Comment: This sequence change replaces glutamine, which is neutral and polar, with arginine, which is basic and polar, at codon 266 of the ROGDI protein (p.Gln266Arg). This variant is not present in population databases (gnomAD no frequency). This variant has not been reported in the literature in individuals affected with ROGDI-related conditions. ClinVar contains an entry for this variant (Variation ID: 1378580). Algorithms developed to predict the effect of missense changes on protein structure and function are either unavailable or do not agree on the potential impact of this missense change (SIFT: "Tolerated"; PolyPhen-2: "Probably Damaging"; Align-GVGD: "Class C0"). In summary, the available evidence is currently insufficient to determine the role of this variant in disease. Therefore, it has been classified as a Variant of Uncertain Significance.

NM_024589.3(ROGDI):c.797A>G (p.Gln266Arg)

Gene: ROGDI (rogdi atypical leucine zipper; minus strand). Cytogenetic location: 16p13.3.
Variant type: single nucleotide variant.
Coding change: c.797A>G on transcript NM_024589.3 (MANE Select); coding-DNA position 797, A replaced by G.
Protein change: p.Gln266Arg; replaces glutamine 266 with arginine.
Molecular consequence: missense variant. On other transcripts: non-coding transcript variant (1).
Genome position (GRCh38, 1-based): chr16:4,797,739, T>C on the plus strand (A>G on the coding strand, the complement: ROGDI is on the minus strand). VCF-style: chr16-4797739-T-C. GRCh37 (hg19) VCF-style: chr16-4847740-T-C.
Other names: short protein forms Q266R.
Identifiers: ClinVar variation 1378580 (VCV001378580.3), dbSNP rs2082669298, ClinGen allele CA394648496.